The following is an entry in ClinVar:

ClinVar aggregate classification (germline): Pathogenic. Review status: criteria provided, multiple submitters, no conflicts (2 of 4 stars). 2 submissions from 2 submitters: Pathogenic (2). Last evaluated 2023-08-21.

Conditions:
Hereditary cancer-predisposing syndrome. Also called: Neoplastic Syndromes, Hereditary; Tumor predisposition; Hereditary Cancer Syndrome; Hereditary neoplastic syndrome. Identifiers: Orphanet 140162, MedGen C0027672, MeSH D009386, MONDO:0015356.
Lynch syndrome 5 (LYNCH5). Also called: Colorectal cancer, hereditary nonpolyposis, type 5; Hereditary non-polyposis colorectal cancer, type 5. Identifiers: Orphanet 144, MedGen C1833477, MONDO:0013710, OMIM 614350. Disease mechanism: loss of function.

Submissions (2):

Myriad Genetics, Inc.
Classification: Pathogenic for Lynch syndrome 5. Last evaluated: 2023-08-21. Review status: criteria provided, single submitter. Criteria: Myriad Autosomal Dominant, Autosomal Recessive and X-Linked Classification Criteria (2023). Collection method: clinical testing. Allele origin: unknown.
Comment: This variant is considered pathogenic. This variant creates a frameshift predicted to result in premature protein truncation.

Ambry Genetics
Classification: Pathogenic for Hereditary cancer-predisposing syndrome. Last evaluated: 2020-03-21. Review status: criteria provided, single submitter. Criteria: Ambry Variant Classification Scheme 2023. Collection method: clinical testing. Allele origin: germline.
Comment: The c.2943delT pathogenic mutation, located in coding exon 4 of the MSH6 gene, results from a deletion of T at nucleotide position 2943, causing a translational frameshift with a predicted alternate stop codon (p.P982Lfs*15). A different MSH6 alteration, c.2945delC, that leads to the same protein change (p.P982Lfs*15) was detected in a patient with ovarian cancer from a cohort of 11416 patients with breast and/or ovarian cancer and was not detected in 3988 control subjects (Lu HM et al. JAMA Oncol, 2019 01;5:51-57). In addition to the clinical data presented in the literature, this alteration is expected to result in loss of function by premature protein truncation or nonsense-mediated mRNA decay. As such, this alteration is interpreted as a disease-causing mutation.

Literature cited by the submitters: PubMed 30128536 (cited by Ambry Genetics).

NM_000179.3(MSH6):c.2943del (p.Pro982fs)

Gene: MSH6 (mutS homolog 6; plus strand). Cytogenetic location: 2p16.3.
Variant type: Deletion.
Coding change: c.2943del on transcript NM_000179.3 (MANE Select); coding-DNA position 2943, one base deleted (T; older notation c.2943delT).
Protein change: p.Pro982fs; shifts the reading frame from proline 982.
Molecular consequence: frameshift variant.
Genome position (GRCh38, 1-based): chr2:47,800,926, T deleted; the last of 2 consecutive T bases (chr2:47,800,925-47,800,926); deleting either gives the same sequence. VCF-style (leftmost placement, unchanged base first): chr2-47800924-AT-A. GRCh37 (hg19) VCF-style: chr2-48028063-AT-A.
Other names: c.2553del, p.Pro852fs (NM_001281492.2); c.2037del, p.Pro680fs (NM_001281493.2, NM_001281494.2); c.3039delT, p.Pro1014Leufs (NM_001406795.1, NM_001406802.1); c.2943delT, p.Pro982Leufs (NM_001406796.1, NM_001406798.1, NM_001406800.1 and 2 more transcripts); c.2646delT, p.Pro883Leufs (NM_001406797.1, NM_001406801.1, NM_001406805.1 and 10 more transcripts); c.2418delT, p.Pro807Leufs (NM_001406799.1, NM_001406806.1, NM_001406807.1); c.2865delT, p.Pro956Leufs (NM_001406804.1); c.2037delT, p.Pro680Leufs (NM_001406811.1, NM_001406812.1, NM_001406814.1 and 4 more transcripts); and 3 more; short protein forms P852fs, P680fs, P982fs.
Identifiers: ClinVar variation 1797940 (VCV001797940.3), dbSNP rs2104432135, ClinGen allele CA2580068111.